The following is an entry in ClinVar:

ClinVar aggregate classification (germline): Uncertain significance (1 of 4 stars; one submission).

Conditions:
Juvenile polyposis syndrome (JPS). Identifiers: Orphanet 2929, MedGen C0345893, MONDO:0017380, OMIM 174900.

Submission:

Labcorp Genetics (formerly Invitae), Labcorp
Classification: Uncertain significance for Juvenile polyposis syndrome. Last evaluated: 2023-09-06. Review status: criteria provided, single submitter. Criteria: Invitae Variant Classification Sherloc (09022015). Collection method: clinical testing. Allele origin: germline.
Comment: Variants that disrupt the consensus splice site are a relatively common cause of aberrant splicing (PMID: 17576681, 9536098). Algorithms developed to predict the effect of sequence changes on RNA splicing suggest that this variant is not likely to affect RNA splicing. In summary, the available evidence is currently insufficient to determine the role of this variant in disease. Therefore, it has been classified as a Variant of Uncertain Significance. This variant has not been reported in the literature in individuals affected with BMPR1A-related conditions. This variant is not present in population databases (gnomAD no frequency). This sequence change falls in intron 10 of the BMPR1A gene. It does not directly change the encoded amino acid sequence of the BMPR1A protein. It affects a nucleotide within the consensus splice site.

Literature cited by the submitters: PubMed 17576681; PubMed 9536098.

NM_004329.3(BMPR1A):c.1166+3G>C

Gene: BMPR1A (bone morphogenetic protein receptor type 1A; plus strand). Cytogenetic location: 10q23.2.
Variant type: single nucleotide variant.
Coding change: c.1166+3G>C on transcript NM_004329.3 (MANE Select); 3 bases into the intron after coding-DNA position 1166, G replaced by C.
Molecular consequence: intron variant.
Genome position (GRCh38, 1-based): chr10:86,919,472, G>C. VCF-style: chr10-86919472-G-C. GRCh37 (hg19) VCF-style: chr10-88679229-G-C.
Other names: c.1166+3G>C (NM_001406562.1, NM_001406568.1, NM_001406567.1 and 19 more transcripts); c.1082+3G>C (NM_001406584.1, NM_001406588.1, NM_001406587.1 and 2 more transcripts); c.1214+3G>C (NM_001406560.1); c.1241+3G>C (NM_001406559.1); c.1160+3G>C (NM_001406583.1); c.824+3G>C (NM_001406589.1).
Identifiers: ClinVar variation 2758576 (VCV002758576.3), dbSNP rs2133594431, ClinGen allele CA2697558531.